The following is an entry in ClinVar:

ClinVar aggregate classification (germline): Uncertain significance (1 of 4 stars; one submission).

Submission:

GeneDx
Classification: Uncertain significance. Last evaluated: 2025-06-09. Review status: criteria provided, single submitter. Criteria: GeneDx Variant Classification Process June 2021. Collection method: clinical testing. Allele origin: germline. Affected: yes.
Comment: Not observed at significant frequency in large population cohorts (gnomAD); In silico analysis suggests that this missense variant does not alter protein structure/function; Has not been previously published as pathogenic or benign to our knowledge

NM_006593.4(TBR1):c.134A>G (p.Asn45Ser)

Gene: TBR1 (T-box brain transcription factor 1; plus strand). Cytogenetic location: 2q24.2.
Variant type: single nucleotide variant.
Coding change: c.134A>G on transcript NM_006593.4 (MANE Select); coding-DNA position 134, A replaced by G.
Protein change: p.Asn45Ser; replaces asparagine 45 with serine.
Molecular consequence: missense variant.
Genome position (GRCh38, 1-based): chr2:161,416,544, A>G. VCF-style: chr2-161416544-A-G. GRCh37 (hg19) VCF-style: chr2-162273055-A-G.
Other names: short protein forms N45S.
Identifiers: ClinVar variation 4537626 (VCV004537626.1).